The following is an entry in ClinVar:

NM_001369.3(DNAH5):c.8221_8224+9del

Gene: DNAH5 (dynein axonemal heavy chain 5; minus strand). Cytogenetic location: 5p15.2.
Variant type: Deletion.
Coding change: c.8221_8224+9del on transcript NM_001369.3 (MANE Select); coding-DNA position 8221 through 9 bases into the intron after coding-DNA position 8224, 13 bases deleted (TTTGGTAAAGATC).
Molecular consequence: splice donor variant.
Genome position (GRCh38, 1-based): chr5:13,793,506-13,793,518, GATCTTTACCAAA deleted on the plus strand (TTTGGTAAAGATC on the coding strand, the reverse complement: DNAH5 is on the minus strand); deleting any 13 consecutive bases within chr5:13,793,506-13,793,524 gives the same sequence; the c. name uses the placement nearest the transcript's 3' end. VCF-style (leftmost placement, unchanged base first): chr5-13793505-TGATCTTTACCAAA-T. GRCh37 (hg19) VCF-style: chr5-13793614-TGATCTTTACCAAA-T.
Identifiers: ClinVar variation 2709617 (VCV002709617.3), dbSNP rs2546742706, ClinGen allele CA2697547089.
Genomic context (GRCh38, chr5:13,793,505, plus strand): 5'-AGATTTTCAAAAAGGAACCCAAGCAGGTGTTCTTCCTCACCCTCCCACCCCACATCCTCT[TGATCTTTACCAAA>T]GATCTTGTCCACAGAAGCTTCAGAGGGCAACGTGCAATTAAATATAGAGAACTGCCTCTT-3'

ClinVar aggregate classification (germline): Likely pathogenic (1 of 4 stars; one submission).

Conditions:
Primary ciliary dyskinesia. Also called: Ciliary dyskinesia. Identifiers: Orphanet 244, MedGen C0008780, MONDO:0016575, HP:0012265.

Submission:

Labcorp Genetics (formerly Invitae), Labcorp
Classification: Likely pathogenic for Primary ciliary dyskinesia. Last evaluated: 2024-01-16. Review status: criteria provided, single submitter. Criteria: Invitae Variant Classification Sherloc (09022015). Collection method: clinical testing. Allele origin: germline.
Comment: This variant results in the deletion of part of exon 49 (c.8221_8224+9del ) of the DNAH5 gene. It is expected to disrupt RNA splicing. Variants that disrupt the donor or acceptor splice site typically lead to a loss of protein function (PMID: 16199547), and loss-of-function variants in DNAH5 are known to be pathogenic (PMID: 11788826, 16627867). This variant is not present in population databases (gnomAD no frequency). This variant has not been reported in the literature in individuals affected with DNAH5-related conditions. In summary, the currently available evidence indicates that the variant is pathogenic, but additional data are needed to prove that conclusively. Therefore, this variant has been classified as Likely Pathogenic.

Literature cited by the submitters: PubMed 16199547; PubMed 11788826; PubMed 16627867.